The following is an entry in ClinVar:

NM_000138.5(FBN1):c.7199G>A (p.Gly2400Glu)

Gene: FBN1 (fibrillin 1; minus strand). Cytogenetic location: 15q21.1.
Variant type: single nucleotide variant.
Coding change: c.7199G>A on transcript NM_000138.5 (MANE Select); coding-DNA position 7199, G replaced by A.
Protein change: p.Gly2400Glu; replaces glycine 2400 with glutamic acid.
Molecular consequence: missense variant.
Genome position (GRCh38, 1-based): chr15:48,427,572, C>T on the plus strand (G>A on the coding strand, the complement: FBN1 is on the minus strand). VCF-style: chr15-48427572-C-T. GRCh37 (hg19) VCF-style: chr15-48719769-C-T.
Other names: short protein forms G2400E.
Identifiers: ClinVar variation 3750550 (VCV003750550.2), dbSNP rs794728268.

ClinVar aggregate classification (germline): Uncertain significance (1 of 4 stars; one submission).

Conditions:
Marfan syndrome (MFS). Also called: MARFAN SYNDROME, TYPE I; Marfan syndrome type 1; Marfan's syndrome; Marfan syndrome, classic; FBN1-Related Marfan Syndrome. Identifiers: Orphanet 284963, Orphanet 558, MedGen C0024796, MONDO:0007947, OMIM 154700.
Familial thoracic aortic aneurysm and aortic dissection (TAAD). Also called: Thoracic aortic aneurysms and dissections. Identifiers: Orphanet 91387, MedGen C4707243, MONDO:0019625.

Submission:

Labcorp Genetics (formerly Invitae), Labcorp
Classification: Uncertain significance for Marfan syndrome; Familial thoracic aortic aneurysm and aortic dissection. Last evaluated: 2024-07-31. Review status: criteria provided, single submitter. Criteria: Invitae Variant Classification Sherloc (09022015). Collection method: clinical testing. Allele origin: germline.
Comment: This sequence change replaces glycine, which is neutral and non-polar, with glutamic acid, which is acidic and polar, at codon 2400 of the FBN1 protein (p.Gly2400Glu). This variant is not present in population databases (gnomAD no frequency). This variant has not been reported in the literature in individuals affected with FBN1-related conditions. Advanced modeling of protein sequence and biophysical properties (such as structural, functional, and spatial information, amino acid conservation, physicochemical variation, residue mobility, and thermodynamic stability) performed at Invitae indicates that this missense variant is expected to disrupt FBN1 protein function with a positive predictive value of 95%. In summary, the available evidence is currently insufficient to determine the role of this variant in disease. Therefore, it has been classified as a Variant of Uncertain Significance.